The following is an entry in ClinVar:

ClinVar aggregate classification (germline): Benign/Likely benign. Review status: criteria provided, multiple submitters, no conflicts (2 of 4 stars). 8 submissions from 8 submitters: Benign (5); Likely benign (2). 1 of the submissions does not count toward it. Last evaluated 2026-02-01.

Conditions:
CEACAM16-related disorder. Also called: CEACAM16-related condition.

Allele frequency attached by ClinVar (database versions not stated): 1000 Genomes Project 30x 0.00078; 1000 Genomes Project 0.00080; TOPMed 0.00220; ESP Exome Variant Server 0.00284; gnomAD 0.00284 and 0.00300; gnomAD exomes 0.00350 and 0.00427; ExAC 0.00446.
gnomAD v4.1: 6,576 of 1,613,772 alleles (0.41%); highest among the groups gnomAD compares: Non-Finnish European, 0.51%; 21 homozygotes.

Submissions (8):

CeGaT Center for Human Genetics Tuebingen
Classification: Likely benign. Last evaluated: 2026-02-01. Review status: criteria provided, single submitter. Criteria: CeGaT Center For Human Genetics Tuebingen Variant Classification Criteria Version 2. Collection method: clinical testing. Allele origin: germline. Affected: yes. Observed: 6 variant alleles.
Comment: CEACAM16: BP4, BP7, BS2

Labcorp Genetics (formerly Invitae), Labcorp
Classification: Benign. Last evaluated: 2025-12-31. Review status: criteria provided, single submitter. Criteria: Invitae Variant Classification Sherloc (09022015). Collection method: clinical testing. Allele origin: germline.

ARUP Laboratories, Molecular Genetics and Genomics, ARUP Laboratories
Classification: Likely benign. Last evaluated: 2022-03-17. Review status: criteria provided, single submitter. Criteria: ARUP Molecular Germline Variant Investigation Process 2021. Collection method: clinical testing. Allele origin: germline.

GeneDx
Classification: Benign. Last evaluated: 2019-02-05. Review status: criteria provided, single submitter. Criteria: GeneDx Variant Classification Process June 2021. Collection method: clinical testing. Allele origin: germline. Affected: yes.

Eurofins Ntd Llc (ga)
Classification: Benign. Last evaluated: 2017-02-27. Review status: criteria provided, single submitter. Criteria: EGL Classification Definitions 2015. Collection method: clinical testing. Allele origin: germline. Observed: 1 variant allele, 1 heterozygote.

Laboratory for Molecular Medicine, Mass General Brigham Personalized Medicine
Classification: Benign. Last evaluated: 2014-11-24. Review status: criteria provided, single submitter. Criteria: LMM Criteria. Collection method: clinical testing. Allele origin: germline. Observed: 5 variant alleles.
Comment: Thr246Thr in exon 5 of CEACAM16: This variant is not expected to have clinical s ignificance because it does not alter an amino acid residue and is not located w ithin the splice consensus sequence. It has been identified in 0.4% (32/8468) of European American chromosomes from a broad population by the NHLBI Exome Sequen cing Project.

Breakthrough Genomics
Classification: Benign. Review status: criteria provided, single submitter. Criteria: ACMG Guidelines, 2015. Collection method: not provided. Allele origin: germline. Inheritance: Autosomal recessive inheritance. Affected: yes.

PreventionGenetics, part of Exact Sciences
Classification: Likely benign for CEACAM16-related condition. Last evaluated: 2020-01-24. Review status: no assertion criteria provided. Collection method: clinical testing. Allele origin: germline. Not counted in ClinVar's aggregate classification.
Comment: This variant is classified as likely benign based on ACMG/AMP sequence variant interpretation guidelines (Richards et al. 2015 PMID: 25741868, with internal and published modifications).

NM_001039213.4(CEACAM16):c.738G>A (p.Thr246=)

Genes: CEACAM16-AS1 (CEACAM16, CEACAM19 and PVR antisense RNA 1; minus strand), CEACAM16 (CEA cell adhesion molecule 16, tectorial membrane component; plus strand). Cytogenetic location: 19q13.32.
Variant type: single nucleotide variant.
Coding change: c.738G>A on transcript NM_001039213.4 (MANE Select); coding-DNA position 738, G replaced by A.
Protein change: p.Thr246=; no amino-acid change (threonine 246 retained).
Molecular consequence: synonymous variant.
Genome position (GRCh38, 1-based): chr19:44,705,666, G>A. VCF-style: chr19-44705666-G-A. GRCh37 (hg19) VCF-style: chr19-45208936-G-A.
Identifiers: ClinVar variation 500433 (VCV000500433.46), dbSNP rs199779296, ClinGen allele CA9503137.